The following is an entry in ClinVar:

NM_004260.4(RECQL4):c.3450G>C (p.Arg1150Ser)

Gene: RECQL4 (RecQ like helicase 4; minus strand). Cytogenetic location: 8q24.3.
Variant type: single nucleotide variant.
Coding change: c.3450G>C on transcript NM_004260.4 (MANE Select); coding-DNA position 3450, G replaced by C.
Protein change: p.Arg1150Ser; replaces arginine 1150 with serine.
Molecular consequence: missense variant. On other transcripts: non-coding transcript variant (3).
Genome position (GRCh38, 1-based): chr8:144,511,733, C>G on the plus strand (G>C on the coding strand, the complement: RECQL4 is on the minus strand). VCF-style: chr8-144511733-C-G. GRCh37 (hg19) VCF-style: chr8-145737116-C-G.
Other names: c.3156G>C, p.Arg1052Ser (NM_001413017.1); c.3252G>C, p.Arg1084Ser (NM_001413018.1); c.3525G>C, p.Arg1175Ser (NM_001413019.1); c.3354G>C, p.Arg1118Ser (NM_001413020.1); c.2379G>C, p.Arg793Ser (NM_001413021.1, NM_001413022.1, NM_001413024.1 and 4 more transcripts); c.2454G>C, p.Arg818Ser (NM_001413023.1); c.3321G>C, p.Arg1107Ser (NM_001413025.1); c.2313G>C, p.Arg771Ser (NM_001413027.1, NM_001413030.1, NM_001413032.1); and 9 more; short protein forms R1106S, R1107S, R1118S, R727S, R1052S, R1150S, R1175S, R749S.
Identifiers: ClinVar variation 3788082 (VCV003788082.1).

ClinVar aggregate classification (germline): Uncertain significance (1 of 4 stars; one submission).

Conditions:
Inborn genetic diseases. Identifiers: MedGen C0950123, MeSH D030342.

Submission:

Ambry Genetics
Classification: Uncertain significance for Inborn genetic diseases. Last evaluated: 2025-03-07. Review status: criteria provided, single submitter. Criteria: Ambry Variant Classification Scheme 2023. Collection method: clinical testing. Allele origin: germline.
Comment: The p.R1150S variant (also known as c.3450G>C), located in coding exon 20 of the RECQL4 gene, results from a G to C substitution at nucleotide position 3450. The arginine at codon 1150 is replaced by serine, an amino acid with dissimilar properties. This amino acid position is conserved. In addition, this alteration is predicted to be tolerated by in silico analysis. Based on the available evidence, the clinical significance of this variant remains unclear.